The following is an entry in ClinVar:

NM_000458.4(HNF1B):c.810-2A>C

Gene: HNF1B (HNF1 homeobox B; minus strand). Cytogenetic location: 17q12.
Variant type: single nucleotide variant.
Coding change: c.810-2A>C on transcript NM_000458.4 (MANE Select); the canonical splice acceptor site of the intron before coding-DNA position 810, A replaced by C.
Molecular consequence: splice acceptor variant.
Genome position (GRCh38, 1-based): chr17:37,731,832, T>G on the plus strand (A>C on the coding strand, the complement: HNF1B is on the minus strand). VCF-style: chr17-37731832-T-G. GRCh37 (hg19) VCF-style: chr17-36091823-T-G.
Other names: c.732-2A>C (NM_001304286.2, NM_001165923.4); c.810-2A>C (NM_001411100.1).
Identifiers: ClinVar variation 635645 (VCV000635645.1), dbSNP rs1333784125, ClinGen allele CA398747167.

ClinVar aggregate classification (germline): Pathogenic (1 of 4 stars; one submission).

Conditions:
Renal cysts and diabetes syndrome (RCAD). Also called: Familial hypoplastic, glomerulocystic kidney; MATURITY-ONSET DIABETES OF THE YOUNG, TYPE 5. Identifiers: Orphanet 93111, MedGen C0431693, MONDO:0007669, OMIM 137920.

Submission:

Institute of Human Genetics, FAU Erlangen, Friedrich-Alexander-Universität Erlangen-Nürnberg
Classification: Pathogenic for Renal cysts and diabetes syndrome. Last evaluated: 2019-07-06. Review status: criteria provided, single submitter. Criteria: ACMG Guidelines, 2015. Collection method: literature only. Allele origin: germline. Affected: yes.
Comment: This variant and it's classification has been reported by Vasileiou et al. 2019; DOI:10.1101/576918. The variants has previously been reported in PMID:19389850; PMID:25700310; PMID:19389850; PMID:25536396 as "c.810-2A>C, IVS3-2A>C; c.810-2A>C; c.810-2A>C" with clinical significance Pathogenic. It has been re-classified using InterVar and manual curation as Pathogenic based on PVS1 PM2 PP3.

Literature cited by the submitters: PubMed 19389850; PubMed 25700310; PubMed 25536396; DOI 10.1101/576918.